The following is an entry in ClinVar:

ClinVar aggregate classification (germline): Pathogenic (1 of 4 stars; one submission).

Conditions:
Neurofibromatosis, type 1 (NF1). Also called: NEUROFIBROMATOSIS, TYPE I, SOMATIC; Peripheral type neurofibromatosis; Neurofibromatosis, type I; VON RECKLINGHAUSEN DISEASE. Identifiers: Orphanet 636, MedGen C0027831, MONDO:0018975, OMIM 162200. Disease mechanism: loss of function.

Submission:

Labcorp Genetics (formerly Invitae), Labcorp
Classification: Pathogenic for Neurofibromatosis, type 1. Last evaluated: 2025-01-27. Review status: criteria provided, single submitter. Criteria: Invitae Variant Classification Sherloc (09022015). Collection method: clinical testing. Allele origin: germline.
Comment: This sequence change creates a premature translational stop signal (p.Ser2626Lysfs*13) in the NF1 gene. It is expected to result in an absent or disrupted protein product. Loss-of-function variants in NF1 are known to be pathogenic (PMID: 10712197, 23913538). This variant is not present in population databases (gnomAD no frequency). This variant has not been reported in the literature in individuals affected with NF1-related conditions. For these reasons, this variant has been classified as Pathogenic.

Literature cited by the submitters: PubMed 10712197; PubMed 23913538.

NM_001042492.3(NF1):c.7939dup (p.Ser2647fs)

Gene: NF1 (neurofibromin 1; plus strand). Cytogenetic location: 17q11.2.
Variant type: Duplication.
Coding change: c.7939dup on transcript NM_001042492.3 (MANE Select); coding-DNA position 7939, one base duplicated (A; older notation c.7939dupA).
Protein change: p.Ser2647fs; shifts the reading frame from serine 2647.
Molecular consequence: frameshift variant.
Genome position (GRCh38, 1-based): chr17:31,357,338, A duplicated. VCF-style (leftmost placement, unchanged base first): chr17-31357337-C-CA. GRCh37 (hg19) VCF-style: chr17-29684355-C-CA.
Other names: c.7876dup, p.Ser2626Lysfs (NM_000267.4); short protein forms S2647fs, S2626fs.
Identifiers: ClinVar variation 3729071 (VCV003729071.2).